The following is an entry in ClinVar:

ClinVar aggregate classification (germline): Pathogenic (1 of 4 stars; one submission).

Conditions:
Congenital defect of folate absorption. Also called: Hereditary Folate Malabsorption. Identifiers: Orphanet 90045, MedGen C0342705, MONDO:0009238, OMIM 229050.

Submission:

Women's Health and Genetics/Laboratory Corporation of America, LabCorp
Classification: Pathogenic for Congenital defect of folate absorption. Last evaluated: 2024-08-08. Review status: criteria provided, single submitter. Criteria: LabCorp Variant Classification Summary - May 2015. Collection method: clinical testing. Allele origin: germline.
Comment: Variant summary: SLC46A1 c.487_493delGCTAGCT (p.Ala163LeufsX55) results in a premature termination codon, predicted to cause a truncation of the encoded protein or absence of the protein due to nonsense mediated decay, which are commonly known mechanisms for disease. The variant was absent in 222666 control chromosomes. To our knowledge, no occurrence of c.487_493delGCTAGCT in individuals affected with Congenital Defect Of Folate Absorption and no experimental evidence demonstrating its impact on protein function have been reported. No submitters have cited clinical-significance assessments for this variant to ClinVar. Based on the evidence outlined above, the variant was classified as pathogenic.

NM_080669.6(SLC46A1):c.487_493del (p.Ala163fs)

Gene: SLC46A1 (solute carrier family 46 member 1; minus strand). Cytogenetic location: 17q11.2.
Variant type: Deletion.
Coding change: c.487_493del on transcript NM_080669.6 (MANE Select); coding-DNA positions 487 to 493, 7 bases deleted (GCTAGCT; older notation c.487_493delGCTAGCT).
Protein change: p.Ala163fs; shifts the reading frame from alanine 163.
Molecular consequence: frameshift variant.
Genome position (GRCh38, 1-based): chr17:28,405,204-28,405,210, AGCTAGC deleted on the plus strand (GCTAGCT on the coding strand, the reverse complement: SLC46A1 is on the minus strand); deleting any 7 consecutive bases within chr17:28,405,204-28,405,213 gives the same sequence; the c. name uses the placement nearest the transcript's 3' end. VCF-style (leftmost placement, unchanged base first): chr17-28405203-AAGCTAGC-A. GRCh37 (hg19) VCF-style: chr17-26732221-AAGCTAGC-A.
Other names: c.487_493del, p.Ala163fs (NM_001242366.3); c.487_493delGCTAGCT (NM_080669.6); short protein forms A163fs.
Identifiers: ClinVar variation 3366387 (VCV003366387.1).